The following is an entry in ClinVar:

NM_005560.6(LAMA5):c.1898C>T (p.Thr633Ile)

Gene: LAMA5 (laminin subunit alpha 5; minus strand). Cytogenetic location: 20q13.33.
Variant type: single nucleotide variant.
Coding change: c.1898C>T on transcript NM_005560.6 (MANE Select); coding-DNA position 1898, C replaced by T.
Protein change: p.Thr633Ile; replaces threonine 633 with isoleucine.
Molecular consequence: missense variant.
Genome position (GRCh38, 1-based): chr20:62,337,932, G>A on the plus strand (C>T on the coding strand, the complement: LAMA5 is on the minus strand). VCF-style: chr20-62337932-G-A. GRCh37 (hg19) VCF-style: chr20-60912988-G-A.
Other names: short protein forms T633I.
Identifiers: ClinVar variation 2652490 (VCV002652490.24), dbSNP rs745672969, ClinGen allele CA9943712.

ClinVar aggregate classification (germline): Uncertain significance (1 of 4 stars; one submission).

Allele frequency attached by ClinVar (database versions not stated): ExAC 0.00001.
gnomAD v4.1: 6 of 1,609,418 alleles (0.00037%); highest among the groups gnomAD compares: Admixed American, 0.0034%; no homozygotes.

Submission:

CeGaT Center for Human Genetics Tuebingen
Classification: Uncertain significance. Last evaluated: 2023-08-01. Review status: criteria provided, single submitter. Criteria: CeGaT Center For Human Genetics Tuebingen Variant Classification Criteria Version 2. Collection method: clinical testing. Allele origin: germline. Affected: yes. Observed: 1 variant allele.
Comment: LAMA5: PM2, BP4